The following is an entry in ClinVar:

ClinVar aggregate classification (germline): Pathogenic (1 of 4 stars; one submission).

Conditions:
Neuromuscular disease caused by qualitative or quantitative defects of dystrophin. Also called: Qualitative or quantitative defects of dystrophin. Identifiers: Orphanet 207085, MedGen C5679787, MONDO:0016147.

Submission:

Women's Health and Genetics/Laboratory Corporation of America, LabCorp
Classification: Pathogenic for Neuromuscular disease caused by qualitative or quantitative defects of dystrophin. Last evaluated: 2022-12-15. Review status: criteria provided, single submitter. Criteria: LabCorp Variant Classification Summary - May 2015. Collection method: clinical testing. Allele origin: germline.
Comment: Variant summary: The variant identified by MLPA or other technology involves the deletion of exons 2-30 in the DMD gene. A presumed nomenclature of c.(31+1_32-1)_(4233+1_4234-1)del has been designated for the purposes of this classification. Although exact breakpoints of this deletion are not known, it is expected to result in a frameshift in the DMD gene, a known mechanism of disease. The variant was absent in 16120 control chromosomes. c.(31+1_32-1)_(4233+1_4234-1)del has been reported in the literature in individuals affected with Dystrophinopathies. No clinical diagnostic laboratories have submitted clinical-significance assessments for this variant to ClinVar after 2014. Based on the evidence outlined above, the variant was classified as pathogenic.

Literature cited by the submitters: PubMed 12111668.

NC_000023.10:g.(32408299_32429868)_(33038318_33229398)del

Gene: DMD (dystrophin; minus strand). Cytogenetic location: Xp21.1.
Variant type: Deletion.
Identifiers: ClinVar variation 1878311 (VCV001878311.1).